The following is an entry in ClinVar:

NM_000070.3(CAPN3):c.806G>C (p.Gly269Ala)

Gene: CAPN3 (calpain 3; plus strand). Cytogenetic location: 15q15.1.
Variant type: single nucleotide variant.
Coding change: c.806G>C on transcript NM_000070.3 (MANE Select); coding-DNA position 806, G replaced by C.
Protein change: p.Gly269Ala; replaces glycine 269 with alanine.
Molecular consequence: missense variant. On other transcripts: intron variant (1).
Genome position (GRCh38, 1-based): chr15:42,389,957, G>C. VCF-style: chr15-42389957-G-C. GRCh37 (hg19) VCF-style: chr15-42682155-G-C.
Other names: c.806G>C, p.Gly269Ala (NM_024344.2); c.801+861G>C (NM_173087.2); short protein forms G269A.
Identifiers: ClinVar variation 3697044 (VCV003697044.2).

ClinVar aggregate classification (germline): Uncertain significance (1 of 4 stars; one submission).

Conditions:
Autosomal recessive limb-girdle muscular dystrophy type 2A (LGMDR1). Also called: Muscular dystrophy, limb-girdle, type 2A, Amish; LEYDEN-MOEBIUS MUSCULAR DYSTROPHY; MUSCULAR DYSTROPHY, PELVOFEMORAL; Limb-girdle muscular dystrophy, type 2A; Calpainopathy. Identifiers: Orphanet 267, MedGen C1869123, MONDO:0009675, OMIM 253600. Disease mechanism: loss of function.

Submission:

Labcorp Genetics (formerly Invitae), Labcorp
Classification: Uncertain significance for Autosomal recessive limb-girdle muscular dystrophy type 2A. Last evaluated: 2024-06-10. Review status: criteria provided, single submitter. Criteria: Invitae Variant Classification Sherloc (09022015). Collection method: clinical testing. Allele origin: germline.
Comment: This sequence change replaces glycine, which is neutral and non-polar, with alanine, which is neutral and non-polar, at codon 269 of the CAPN3 protein (p.Gly269Ala). This variant is present in population databases (no rsID available, gnomAD 0.1%). This variant has not been reported in the literature in individuals affected with CAPN3-related conditions. Advanced modeling of protein sequence and biophysical properties (such as structural, functional, and spatial information, amino acid conservation, physicochemical variation, residue mobility, and thermodynamic stability) has been performed at Invitae for this missense variant, however the output from this modeling did not meet the statistical confidence thresholds required to predict the impact of this variant on CAPN3 protein function. In summary, the available evidence is currently insufficient to determine the role of this variant in disease. Therefore, it has been classified as a Variant of Uncertain Significance.